The following is an entry in ClinVar:

NM_022455.5(NSD1):c.7219A>G (p.Thr2407Ala)

Gene: NSD1 (nuclear receptor binding SET domain protein 1; plus strand). Cytogenetic location: 5q35.3.
Variant type: single nucleotide variant.
Coding change: c.7219A>G on transcript NM_022455.5 (MANE Select); coding-DNA position 7219, A replaced by G.
Protein change: p.Thr2407Ala; replaces threonine 2407 with alanine.
Molecular consequence: missense variant.
Genome position (GRCh38, 1-based): chr5:177,294,587, A>G. VCF-style: chr5-177294587-A-G. GRCh37 (hg19) VCF-style: chr5-176721588-A-G.
Other names: c.6346A>G, p.Thr2116Ala (NM_001365684.2, NM_001409308.1, NM_172349.5); c.7219A>G, p.Thr2407Ala (NM_001409301.1, NM_001409302.1, NM_001409303.1); c.6799A>G, p.Thr2267Ala (NM_001409304.1); c.6466A>G, p.Thr2156Ala (NM_001409305.1); c.6457A>G, p.Thr2153Ala (NM_001409306.1, NM_001409307.1); c.6097A>G, p.Thr2033Ala (NM_001409309.1); short protein forms T2407A, T2138A, T2156A, T2033A, T2153A, T2267A, T2116A.
Identifiers: ClinVar variation 392025 (VCV000392025.3), dbSNP rs1057524329, ClinGen allele CA16605337.

ClinVar aggregate classification (germline): Uncertain significance. Review status: criteria provided, multiple submitters, no conflicts (2 of 4 stars). 2 submissions from 2 submitters: Uncertain significance (2). Last evaluated 2023-10-11.

Conditions:
Sotos syndrome (SOTOS). Also called: CEREBRAL GIGANTISM; Sotos' syndrome; Distinctive facial appearance, overgrowth in childhood, and learning disabilities or delayed development; CHROMOSOME 5q35 DELETION SYNDROME; SOTOS SYNDROME 1. Identifiers: Orphanet 821, MedGen C0175695, MONDO:0019349, OMIM 117550.

Allele frequency attached by ClinVar (database versions not stated): gnomAD exomes below 0.00001.
gnomAD v4.1: 4 of 1,614,232 alleles (0.00025%); highest among the groups gnomAD compares: African/African-American, 0.0027%; no homozygotes.

Submissions (2):

Laboratorio de Genetica e Diagnostico Molecular, Hospital Israelita Albert Einstein
Classification: Uncertain significance for Sotos syndrome. Last evaluated: 2023-10-11. Review status: criteria provided, single submitter. Criteria: ACMG Guidelines, 2015. Collection method: clinical testing. Allele origin: germline. Affected: yes.
Comment: ACMG classification criteria: PM2 moderate, PP2 supporting, BP4 supporting

GeneDx
Classification: Uncertain significance. Last evaluated: 2016-12-21. Review status: criteria provided, single submitter. Criteria: GeneDx Variant Classification (06012015). Collection method: clinical testing. Allele origin: germline. Affected: yes.
Comment: A variant of uncertain significance has been identified in the NSD1 gene. The T2407A variant has not been published as a pathogenic variant, nor has it been reported as a benign variant to our knowledge. The T2407A variant is not observed in large population cohorts (Lek et al., 2016; 1000 Genomes Consortium et al., 2015; Exome Variant Server). The T2407A variant is a non-conservative amino acid substitution, which is likely to impact secondary protein structure as these residues differ in polarity, charge, size and/or other properties. However, this substitution occurs at a position that is not conserved. In silico analysis predicts this variant likely does not alter the protein structure/function. Therefore, based on the currently available information, it is unclear whether this variant is a pathogenic variant or a rare benign variant.